The following is an entry in ClinVar:

ClinVar aggregate classification (germline): Uncertain significance (1 of 4 stars; one submission).

Conditions:
TWIST1-related craniosynostosis (CRS1). Also called: CRANIOSYNOSTOSIS 1. Identifiers: Orphanet 63440, MedGen C4551902, MONDO:0007399, OMIM 123100. Inheritance: Heterogenous inheritance pattern.

gnomAD v4.1: 3 of 1,613,324 alleles (0.00019%); highest among the groups gnomAD compares: Non-Finnish European, 0.00025%; no homozygotes.

Submission:

Labcorp Genetics (formerly Invitae), Labcorp
Classification: Uncertain significance for TWIST1-related craniosynostosis. Last evaluated: 2024-09-18. Review status: criteria provided, single submitter. Criteria: Invitae Variant Classification Sherloc (09022015). Collection method: clinical testing. Allele origin: germline.
Comment: This sequence change replaces proline, which is neutral and non-polar, with leucine, which is neutral and non-polar, at codon 12 of the ERF protein (p.Pro12Leu). This variant is not present in population databases (gnomAD no frequency). This variant has not been reported in the literature in individuals affected with ERF-related conditions. Invitae Evidence Modeling of protein sequence and biophysical properties (such as structural, functional, and spatial information, amino acid conservation, physicochemical variation, residue mobility, and thermodynamic stability) indicates that this missense variant is expected to disrupt ERF protein function with a positive predictive value of 80%. In summary, the available evidence is currently insufficient to determine the role of this variant in disease. Therefore, it has been classified as a Variant of Uncertain Significance.

NM_006494.4(ERF):c.35C>T (p.Pro12Leu)

Gene: ERF (ETS2 repressor factor; minus strand). Cytogenetic location: 19q13.2.
Variant type: single nucleotide variant.
Coding change: c.35C>T on transcript NM_006494.4 (MANE Select); coding-DNA position 35, C replaced by T.
Protein change: p.Pro12Leu; replaces proline 12 with leucine.
Molecular consequence: missense variant. On other transcripts: 5 prime UTR variant (3).
Genome position (GRCh38, 1-based): chr19:42,250,553, G>A on the plus strand (C>T on the coding strand, the complement: ERF is on the minus strand). VCF-style: chr19-42250553-G-A. GRCh37 (hg19) VCF-style: chr19-42754705-G-A.
Other names: c.-191C>T (NM_001301035.2, NM_001308402.2, NM_001312656.2); short protein forms P12L.
Identifiers: ClinVar variation 3702817 (VCV003702817.2).
Genomic context (GRCh38, chr19:42,250,553, plus strand): 5'-AAGTGCCACAGCTGGATCTGCCTTGAGCCAGGGGACGACTCTGGCTTGTAGGCCCAATCC[G>A]GGAAGGCAAACCCTGGGGACGGGAGGCAGGGAGTGGCCTGGGGTCAGGCTGCCAAGTCCA-3'
Protein context (NP_006485.2, residues 2-22): KTPADTGFAF[Pro12Leu]DWAYKPESSP